The following is an entry in ClinVar:

NM_002734.5(PRKAR1A):c.165G>C (p.Glu55Asp)

Gene: PRKAR1A (protein kinase cAMP-dependent type I regulatory subunit alpha; plus strand). Cytogenetic location: 17q24.2.
Variant type: single nucleotide variant.
Coding change: c.165G>C on transcript NM_002734.5 (MANE Select); coding-DNA position 165, G replaced by C.
Protein change: p.Glu55Asp; replaces glutamic acid 55 with aspartic acid.
Molecular consequence: missense variant.
Genome position (GRCh38, 1-based): chr17:68,515,564, G>C. VCF-style: chr17-68515564-G-C. GRCh37 (hg19) VCF-style: chr17-66511705-G-C.
Other names: c.165G>C, p.Glu55Asp (NM_001276289.2, NM_001276290.1, NM_001278433.2 and 4 more transcripts); short protein forms E55D.
Identifiers: ClinVar variation 4841390 (VCV004841390.1).

ClinVar aggregate classification (germline): Uncertain significance (1 of 4 stars; one submission).

Conditions:
Hereditary cancer-predisposing syndrome. Also called: Neoplastic Syndromes, Hereditary; Tumor predisposition; Hereditary Cancer Syndrome; Hereditary neoplastic syndrome. Identifiers: Orphanet 140162, MedGen C0027672, MeSH D009386, MONDO:0015356.

Submission:

Ambry Genetics
Classification: Uncertain significance for Hereditary cancer-predisposing syndrome. Last evaluated: 2026-01-03. Review status: criteria provided, single submitter. Criteria: Ambry Variant Classification Scheme 2023. Collection method: clinical testing. Allele origin: germline.
Comment: The p.E55D variant (also known as c.165G>C), located in coding exon 1 of the PRKAR1A gene, results from a G to C substitution at nucleotide position 165. The glutamic acid at codon 55 is replaced by aspartic acid, an amino acid with highly similar properties. This amino acid position is conserved. In addition, the in silico prediction for this alteration is inconclusive. Based on the available evidence, the clinical significance of this variant remains unclear.